The following is an entry in ClinVar:

NM_001134407.3(GRIN2A):c.3824A>G (p.Asn1275Ser)

Gene: GRIN2A (glutamate ionotropic receptor NMDA type subunit 2A; minus strand). Cytogenetic location: 16p13.2.
Variant type: single nucleotide variant.
Coding change: c.3824A>G on transcript NM_001134407.3 (MANE Select); coding-DNA position 3824, A replaced by G.
Protein change: p.Asn1275Ser; replaces asparagine 1275 with serine.
Molecular consequence: missense variant. On other transcripts: intron variant (1).
Genome position (GRCh38, 1-based): chr16:9,763,720, T>C on the plus strand (A>G on the coding strand, the complement: GRIN2A is on the minus strand). VCF-style: chr16-9763720-T-C. GRCh37 (hg19) VCF-style: chr16-9857577-T-C.
Other names: c.3772+52A>G (NM_001134408.2); c.3824A>G, p.Asn1275Ser (NM_000833.5); short protein forms N1275S.
Identifiers: ClinVar variation 3045840 (VCV003045840.13), dbSNP rs2141129271, ClinGen allele CA394706767.
Genomic context (GRCh38, chr16:9,763,720, plus strand): 5'-ATGTTATCGTAGGAATGCTGACGGCTAATCCTTAGCTTGTTCTTTTGTAATTGAAGGGCA[T>C]TGTTCTGTGCCCAGTCCTGCTGGTAGACCTGCTCCCCGGTGGCTGGGTTACCTGTCTCCT-3'
Protein context (NP_001127879.1, residues 1265-1285): QVYQQDWAQN[Asn1275Ser]ALQLQKNKLR

ClinVar aggregate classification (germline): Uncertain significance. Review status: criteria provided, multiple submitters, no conflicts (2 of 4 stars). 3 submissions from 3 submitters: Uncertain significance (3). Last evaluated 2026-01-08.

Conditions:
Landau-Kleffner syndrome (FESD). Also called: EPILEPSY, FOCAL, WITH SPEECH DISORDER AND WITH OR WITHOUT MENTAL RETARDATION; APHASIA, ACQUIRED, WITH EPILEPSY. Identifiers: Orphanet 1945, Orphanet 725, Orphanet 98818, MedGen C0282512, MONDO:0009509, OMIM 245570.
GRIN2A-related complex neurodevelopmental disorder. Also called: GRIN2A-related disorder; GRIN2A-related condition. Identifiers: MedGen CN379781, MONDO:1060139.

Allele frequency attached by ClinVar (database versions not stated): gnomAD exomes below 0.00001.
gnomAD v4.1: 1 of 1,614,072 alleles (0.000062%); highest among the groups gnomAD compares: Non-Finnish European, 0.000085%; no homozygotes.

Submissions (3):

Labcorp Genetics (formerly Invitae), Labcorp
Classification: Uncertain significance for Landau-Kleffner syndrome. Last evaluated: 2026-01-08. Review status: criteria provided, single submitter. Criteria: Invitae Variant Classification Sherloc (09022015). Collection method: clinical testing. Allele origin: germline.
Comment: This sequence change replaces asparagine, which is neutral and polar, with serine, which is neutral and polar, at codon 1275 of the GRIN2A protein (p.Asn1275Ser). This variant is not present in population databases (gnomAD no frequency). This variant has not been reported in the literature in individuals affected with GRIN2A-related conditions. ClinVar contains an entry for this variant (Variation ID: 3045840). Invitae Evidence Modeling of protein sequence and biophysical properties (such as structural, functional, and spatial information, amino acid conservation, physicochemical variation, residue mobility, and thermodynamic stability) indicates that this missense variant is not expected to disrupt GRIN2A protein function with a negative predictive value of 95%. In summary, the available evidence is currently insufficient to determine the role of this variant in disease. Therefore, it has been classified as a Variant of Uncertain Significance.

CeGaT Center for Human Genetics Tuebingen
Classification: Uncertain significance. Last evaluated: 2025-08-01. Review status: criteria provided, single submitter. Criteria: CeGaT Center For Human Genetics Tuebingen Variant Classification Criteria Version 2. Collection method: clinical testing. Allele origin: germline. Affected: yes. Observed: 1 variant allele.
Comment: GRIN2A: PM2, BP4

PreventionGenetics, part of Exact Sciences
Classification: Uncertain significance for GRIN2A-related condition. Last evaluated: 2025-04-10. Review status: criteria provided, single submitter. Criteria: ACMG Guidelines, 2015. Collection method: clinical testing. Allele origin: germline.
Comment: The GRIN2A c.3824A>G variant is predicted to result in the amino acid substitution p.Asn1275Ser. To our knowledge, this variant has not been reported in the literature or in a large population database (gnomAD), indicating this variant is rare. At this time, the clinical significance of this variant is uncertain due to the absence of conclusive functional and genetic evidence.